The following is an entry in ClinVar:

ClinVar aggregate classification (germline): Uncertain significance. Review status: criteria provided, multiple submitters, no conflicts (2 of 4 stars). 2 submissions from 2 submitters: Uncertain significance (2). Last evaluated 2025-07-21.

Conditions:
Hereditary cancer-predisposing syndrome. Also called: Tumor predisposition; Hereditary neoplastic syndrome; Neoplastic Syndromes, Hereditary; Hereditary Cancer Syndrome. Identifiers: Orphanet 140162, MedGen C0027672, MeSH D009386, MONDO:0015356.
Bloom syndrome (BLM). Also called: Bloom-Torre-Machacek syndrome. Identifiers: Orphanet 125, MedGen C0005859, MONDO:0008876, OMIM 210900.

Submissions (2):

Labcorp Genetics (formerly Invitae), Labcorp
Classification: Uncertain significance for Bloom syndrome. Last evaluated: 2025-07-21. Review status: criteria provided, single submitter. Criteria: Invitae Variant Classification Sherloc (09022015). Collection method: clinical testing. Allele origin: germline.
Comment: This sequence change replaces valine, which is neutral and non-polar, with isoleucine, which is neutral and non-polar, at codon 501 of the BLM protein (p.Val501Ile). This variant is not present in population databases (gnomAD no frequency). This variant has not been reported in the literature in individuals affected with BLM-related conditions. ClinVar contains an entry for this variant (Variation ID: 819393). Invitae Evidence Modeling of protein sequence and biophysical properties (such as structural, functional, and spatial information, amino acid conservation, physicochemical variation, residue mobility, and thermodynamic stability) indicates that this missense variant is not expected to disrupt BLM protein function with a negative predictive value of 80%. In summary, the available evidence is currently insufficient to determine the role of this variant in disease. Therefore, it has been classified as a Variant of Uncertain Significance.

Ambry Genetics
Classification: Uncertain significance for Hereditary cancer-predisposing syndrome. Last evaluated: 2019-08-09. Review status: criteria provided, single submitter. Criteria: Ambry Variant Classification Scheme 2023. Collection method: clinical testing. Allele origin: germline.
Comment: The p.V501I variant (also known as c.1501G>A), located in coding exon 6 of the BLM gene, results from a G to A substitution at nucleotide position 1501. The valine at codon 501 is replaced by isoleucine, an amino acid with highly similar properties. This amino acid position is well conserved in available vertebrate species. In addition, this alteration is predicted to be tolerated by in silico analysis. Since supporting evidence is limited at this time, the clinical significance of this alteration remains unclear.

NM_000057.4(BLM):c.1501G>A (p.Val501Ile)

Gene: BLM (BLM RecQ like helicase; plus strand). Cytogenetic location: 15q26.1.
Variant type: single nucleotide variant.
Coding change: c.1501G>A on transcript NM_000057.4 (MANE Select); coding-DNA position 1501, G replaced by A.
Protein change: p.Val501Ile; replaces valine 501 with isoleucine.
Molecular consequence: missense variant.
Genome position (GRCh38, 1-based): chr15:90,760,874, G>A. VCF-style: chr15-90760874-G-A. GRCh37 (hg19) VCF-style: chr15-91304104-G-A.
Other names: c.1501G>A, p.Val501Ile (NM_001287246.2, NM_001287247.2); c.376G>A, p.Val126Ile (NM_001287248.2); short protein forms V501I, V126I.
Identifiers: ClinVar variation 819393 (VCV000819393.9), dbSNP rs1596230032, ClinGen allele CA393843195.